The following is an entry in ClinVar:

ClinVar aggregate classification (germline): Likely benign (1 of 4 stars; one submission).

Submission:

CeGaT Center for Human Genetics Tuebingen
Classification: Likely benign. Last evaluated: 2025-11-01. Review status: criteria provided, single submitter. Criteria: CeGaT Center For Human Genetics Tuebingen Variant Classification Criteria Version 2. Collection method: clinical testing. Allele origin: germline. Affected: yes. Observed: 1 variant allele.
Comment: ABCC8: PM2:Supporting, BP4, BP7

NM_000352.6(ABCC8):c.3432C>T (p.Arg1144=)

Gene: ABCC8 (ATP binding cassette subfamily C member 8; minus strand). Cytogenetic location: 11p15.1.
Variant type: single nucleotide variant.
Coding change: c.3432C>T on transcript NM_000352.6 (MANE Select); coding-DNA position 3432, C replaced by T.
Protein change: p.Arg1144=; no amino-acid change (arginine 1144 retained).
Molecular consequence: synonymous variant. On other transcripts: non-coding transcript variant (1).
Genome position (GRCh38, 1-based): chr11:17,404,637, G>A on the plus strand (C>T on the coding strand, the complement: ABCC8 is on the minus strand). VCF-style: chr11-17404637-G-A. GRCh37 (hg19) VCF-style: chr11-17426184-G-A.
Other names: c.3435C>T, p.Arg1145= (NM_001287174.3); c.3498C>T, p.Arg1166= (NM_001351295.2); c.3432C>T, p.Arg1144= (NM_001351296.2); c.3429C>T, p.Arg1143= (NM_001351297.2).
Identifiers: ClinVar variation 4534747 (VCV004534747.6).
Genomic context (GRCh38, chr11:17,404,637, plus strand): 5'-GAGGAACACAGGTGTGACATAGGAGATGACGGCCAGGGCTGAGACACAGAGCAGGGTGGA[G>A]CGGCTCAGGCACTCCAGCGTGGATGGGATGTGCTGAGGGAGACGAGGGGGAGAGAGTGAG-3'
Protein context (NP_000343.2, residues 1134-1154): HIPSTLECLS[Arg1144=]STLLCVSALA